The following is an entry in ClinVar:

ClinVar aggregate classification (germline): Uncertain significance. Review status: criteria provided, multiple submitters, no conflicts (2 of 4 stars). 2 submissions from 2 submitters: Uncertain significance (2). Last evaluated 2025-05-26.

Conditions:
Hereditary cancer-predisposing syndrome. Also called: Tumor predisposition; Hereditary neoplastic syndrome; Neoplastic Syndromes, Hereditary; Hereditary Cancer Syndrome. Identifiers: Orphanet 140162, MedGen C0027672, MeSH D009386, MONDO:0015356.
Pheochromocytoma/paraganglioma syndrome 3. Also called: SDHC-Related Hereditary Paraganglioma-Pheochromocytoma Syndrome (Paragangliomas 3); GLOMUS TUMORS, FAMILIAL, 3; SDHC-Related Hereditary Paraganglioma-Pheochromocytoma Syndrome; Paragangliomas 3. Identifiers: Orphanet 29072, MedGen C1854336, MONDO:0011544, OMIM 605373.
Gastrointestinal stromal tumor. Also called: Gastrointestinal stroma tumor; Gastrointestinal stromal tumor, somatic. Identifiers: Orphanet 44890, MedGen C0238198, MeSH D046152, MONDO:0011719, OMIM 606764, HP:0100723.

Allele frequency attached by ClinVar (database versions not stated): TOPMed 0.00001.
gnomAD v4.1: 6 of 1,612,766 alleles (0.00037%); highest among the groups gnomAD compares: African/African-American, 0.0067%; no homozygotes.

Submissions (2):

Labcorp Genetics (formerly Invitae), Labcorp
Classification: Uncertain significance for Pheochromocytoma/paraganglioma syndrome 3; Gastrointestinal stromal tumor. Last evaluated: 2025-05-26. Review status: criteria provided, single submitter. Criteria: Invitae Variant Classification Sherloc (09022015). Collection method: clinical testing. Allele origin: germline.
Comment: This sequence change replaces histidine, which is basic and polar, with glutamine, which is neutral and polar, at codon 8 of the SDHC protein (p.His8Gln). This variant is present in population databases (rs761381438, gnomAD 0.007%). This variant has not been reported in the literature in individuals affected with SDHC-related conditions. ClinVar contains an entry for this variant (Variation ID: 465967). An algorithm developed to predict the effect of missense changes on protein structure and function (PolyPhen-2) suggests that this variant is likely to be tolerated. In summary, the available evidence is currently insufficient to determine the role of this variant in disease. Therefore, it has been classified as a Variant of Uncertain Significance.

Ambry Genetics
Classification: Uncertain significance for Hereditary cancer-predisposing syndrome. Last evaluated: 2025-02-21. Review status: criteria provided, single submitter. Criteria: Ambry Variant Classification Scheme 2023. Collection method: clinical testing. Allele origin: germline.
Comment: The p.H8Q variant (also known as c.24C>A), located in coding exon 2 of the SDHC gene, results from a C to A substitution at nucleotide position 24. The histidine at codon 8 is replaced by glutamine, an amino acid with highly similar properties. This amino acid position is not well conserved in available vertebrate species. In addition, the in silico prediction for this alteration is inconclusive. Since supporting evidence is limited at this time, the clinical significance of this alteration remains unclear.

NM_003001.5(SDHC):c.24C>A (p.His8Gln)

Gene: SDHC (succinate dehydrogenase complex subunit C; plus strand). Cytogenetic location: 1q23.3.
Variant type: single nucleotide variant.
Coding change: c.24C>A on transcript NM_003001.5 (MANE Select); coding-DNA position 24, C replaced by A.
Protein change: p.His8Gln; replaces histidine 8 with glutamine.
Molecular consequence: missense variant. On other transcripts: 5 prime UTR variant (2), non-coding transcript variant (1), intron variant (4).
Genome position (GRCh38, 1-based): chr1:161,323,617, C>A. VCF-style: chr1-161323617-C-A. GRCh37 (hg19) VCF-style: chr1-161293407-C-A.
Other names: c.24C>A, p.His8Gln (NM_001035511.3, NM_001035512.3, NM_001278172.3 and 2 more transcripts); c.-88C>A (NM_001407119.1); c.-206C>A (NM_001407120.1); c.21-4779C>A (NM_001407116.1, NM_001407121.1, NM_001407117.1); c.20+9192C>A (NM_001035513.3); short protein forms H8Q.
Identifiers: ClinVar variation 465967 (VCV000465967.17), dbSNP rs761381438, ClinGen allele CA047351.